The following is an entry in ClinVar:

NM_004551.3(NDUFS3):c.591T>C (p.Pro197=)

Gene: NDUFS3 (NADH:ubiquinone oxidoreductase core subunit S3; plus strand). Cytogenetic location: 11p11.2.
Variant type: single nucleotide variant.
Coding change: c.591T>C on transcript NM_004551.3 (MANE Select); coding-DNA position 591, T replaced by C.
Protein change: p.Pro197=; no amino-acid change (proline 197 retained).
Molecular consequence: synonymous variant.
Genome position (GRCh38, 1-based): chr11:47,582,432, T>C. VCF-style: chr11-47582432-T-C. GRCh37 (hg19) VCF-style: chr11-47603984-T-C.
Other names: p.P197P:CCT>CCC.
Identifiers: ClinVar variation 138490 (VCV000138490.54), dbSNP rs77113494, ClinGen allele CA292502.
Genomic context (GRCh38, chr11:47,582,432, plus strand): 5'-CTTTGCTAACCACCCTGATCTAAGAAGGATCCTGACAGATTATGGCTTCGAGGGACATCC[T>C]TTCCGGAAAGACTTTCCTCTATCTGGCTATGTTGAGGTAGGAGCCTTGGAACTGGGACAG-3'
Protein context (NP_004542.1, residues 187-207): ILTDYGFEGH[Pro197=]FRKDFPLSGY

ClinVar aggregate classification (germline): Conflicting classifications of pathogenicity. Review status: criteria provided, conflicting classifications (1 of 4 stars). 8 submissions from 7 submitters: Uncertain significance (2); Benign (3); Likely benign (1). 2 of the submissions do not count toward it. Last evaluated 2026-09-01.

Conditions:
Mitochondrial complex I deficiency, nuclear type 8. Also called: Mitochondrial complex 1 deficiency, nuclear type 8. Identifiers: MedGen C4748766, MONDO:0032613, OMIM 618230.
Mitochondrial complex I deficiency, nuclear type 1. Also called: NADH-COENZYME Q REDUCTASE DEFICIENCY; MITOCHONDRIAL NADH DEHYDROGENASE COMPONENT OF COMPLEX I, DEFICIENCY OF. Identifiers: MedGen C6022305, MONDO:0100224, OMIM 252010.
Leigh syndrome (NULS). Also called: Leigh Syndrome (mtDNA deletion); Leigh's syndrome; Leigh's necrotizing encephalopathy; Leigh's disease; Leigh Disease; Subacute necrotizing encephalopathy. Identifiers: Orphanet 506, MedGen C2931891, MONDO:0009723, OMIM 256000.

Allele frequency attached by ClinVar (database versions not stated): 1000 Genomes Project 30x 0.00094; 1000 Genomes Project 0.00100; TOPMed 0.00205; ESP Exome Variant Server 0.00215; gnomAD exomes 0.00274 and 0.00297; gnomAD 0.00277 and 0.00289; ExAC 0.00283.
gnomAD v4.1: 4,430 of 1,614,200 alleles (0.27%); highest among the groups gnomAD compares: Non-Finnish European, 0.28%; 16 homozygotes.

Submissions (8):

CeGaT Center for Human Genetics Tuebingen
Classification: Likely benign. Last evaluated: 2026-09-01. Review status: criteria provided, single submitter. Criteria: CeGaT Center For Human Genetics Tuebingen Variant Classification Criteria Version 2. Collection method: clinical testing. Allele origin: germline. Affected: yes. Observed: 9 variant alleles.
Comment: NDUFS3: BP4, BP7

Labcorp Genetics (formerly Invitae), Labcorp
Classification: Benign. Last evaluated: 2026-01-26. Review status: criteria provided, single submitter. Criteria: Invitae Variant Classification Sherloc (09022015). Collection method: clinical testing. Allele origin: germline.

ARUP Laboratories, Molecular Genetics and Genomics, ARUP Laboratories
Classification: Benign for Mitochondrial complex I deficiency, nuclear type 8. Last evaluated: 2023-11-22. Review status: criteria provided, single submitter. Criteria: ARUP Molecular Germline Variant Investigation Process 2024. Collection method: clinical testing. Allele origin: germline.

Illumina Laboratory Services, Illumina
Classification: Uncertain significance for Mitochondrial complex I deficiency, nuclear type 1. Last evaluated: 2018-01-13. Review status: criteria provided, single submitter. Criteria: ICSL Variant Classification Criteria 13 December 2019. Collection method: clinical testing. Allele origin: germline.

Illumina Laboratory Services, Illumina
Classification: Uncertain significance for Leigh syndrome. Last evaluated: 2018-01-13. Review status: criteria provided, single submitter. Criteria: ICSL Variant Classification Criteria 13 December 2019. Collection method: clinical testing. Allele origin: germline.

GeneDx
Classification: Benign. Last evaluated: 2013-01-28. Review status: criteria provided, single submitter. Criteria: GeneDx Variant Classification (06012015). Collection method: clinical testing. Allele origin: germline. Affected: yes.
Comment: This variant is considered likely benign or benign based on one or more of the following criteria: it is a conservative change, it occurs at a poorly conserved position in the protein, it is predicted to be benign by multiple in silico algorithms, and/or has population frequency not consistent with disease.

Clinical Genetics DNA and cytogenetics Diagnostics Lab, Erasmus MC, Erasmus Medical Center
Classification: Likely benign. Review status: no assertion criteria provided. Collection method: clinical testing. Allele origin: germline. Affected: yes. Study: VKGL Data-share Consensus. Not counted in ClinVar's aggregate classification.

Diagnostic Laboratory, Department of Genetics, University Medical Center Groningen
Classification: Likely benign. Review status: no assertion criteria provided. Collection method: clinical testing. Allele origin: germline. Affected: yes. Study: VKGL Data-share Consensus. Not counted in ClinVar's aggregate classification.